The following is an entry in ClinVar:

ClinVar aggregate classification (germline): Uncertain significance. Review status: criteria provided, multiple submitters, no conflicts (2 of 4 stars). 15 submissions from 15 submitters: Uncertain significance (12). 3 of the submissions do not count toward it. Last evaluated 2026-01-27.

Conditions:
Familial adenomatous polyposis 2. Also called: FAP type 2; Adenomas, multiple colorectal; MUTYH Polyposis; MYH-associated polyposis; MUTYH-associated polyposis; MUTYH-related attenuated familial adenomatous polyposis. Identifiers: Orphanet 220460, Orphanet 247798, MedGen C3272841, MONDO:0012041, OMIM 608456.
Gastric cancer. Also called: Stomach cancer; Malignant tumor of stomach. Identifiers: MedGen C0024623, MeSH D013274, MONDO:0001056, OMIM 613659, HP:0012126.
Hereditary cancer-predisposing syndrome. Also called: Tumor predisposition; Neoplastic Syndromes, Hereditary; Hereditary Cancer Syndrome; Hereditary neoplastic syndrome. Identifiers: Orphanet 140162, MedGen C0027672, MeSH D009386, MONDO:0015356.

Allele frequency attached by ClinVar (database versions not stated): gnomAD 0.00001; TOPMed 0.00002; ExAC 0.00004; gnomAD exomes 0.00005 and 0.00010.
gnomAD v4.1: 141 of 1,613,996 alleles (0.0087%); highest among the groups gnomAD compares: South Asian, 0.046%; no homozygotes.

Submissions (15):

Labcorp Genetics (formerly Invitae), Labcorp
Classification: Uncertain significance for Familial adenomatous polyposis 2. Last evaluated: 2026-01-27. Review status: criteria provided, single submitter. Criteria: Invitae Variant Classification Sherloc (09022015). Collection method: clinical testing. Allele origin: germline.
Comment: This sequence change replaces arginine, which is basic and polar, with cysteine, which is neutral and slightly polar, at codon 217 of the MUTYH protein (p.Arg217Cys). This variant is present in population databases (rs537292657, gnomAD 0.03%). This missense change has been observed in individual(s) with clinical features of MUTYH related conditions (PMID: 17949294, 28135145; internal data). In at least one individual the data is consistent with being in trans (on the opposite chromosome) from a pathogenic variant. This variant is also known as c.607C>T (p.Arg203Cys) and c.565C>T (p.Arg189Cys). ClinVar contains an entry for this variant (Variation ID: 184447). An algorithm developed to predict the effect of missense changes on protein structure and function (PolyPhen-2) suggests that this variant is likely to be disruptive. In summary, the available evidence is currently insufficient to determine the role of this variant in disease. Therefore, it has been classified as a Variant of Uncertain Significance.

Center for Genomic Medicine, Rigshospitalet, Copenhagen University Hospital
Classification: Uncertain significance. Last evaluated: 2025-12-29. Review status: criteria provided, single submitter. Criteria: ACMG Guidelines, 2015. Collection method: clinical testing. Allele origin: germline.

Ambry Genetics
Classification: Uncertain significance for Hereditary cancer-predisposing syndrome. Last evaluated: 2025-09-24. Review status: criteria provided, single submitter. Criteria: Ambry Variant Classification Scheme 2023. Collection method: clinical testing. Allele origin: germline.
Comment: The p.R217C variant (also known as c.649C>T), located in coding exon 8 of the MUTYH gene, results from a C to T substitution at nucleotide position 649. The arginine at codon 217 is replaced by cysteine, an amino acid with highly dissimilar properties. This variant has been reported in an individual diagnosed with colorectal cancer (Yurgelun MB et al. J Clin Oncol, 2017 Apr;35:1086-1095). This amino acid position is well conserved in available vertebrate species. In addition, this alteration is predicted to be deleterious by in silico analysis. Since supporting evidence is limited at this time, the clinical significance of this variant remains unclear.

Color Diagnostics, LLC DBA Color Health
Classification: Uncertain significance for Hereditary cancer-predisposing syndrome. Last evaluated: 2025-07-08. Review status: criteria provided, single submitter. Criteria: ACMG Guidelines, 2015. Collection method: clinical testing. Allele origin: germline.
Comment: This missense variant replaces arginine with cysteine at codon 217 of the MUTYH protein. This variant is also known as NM_001048171.1:c.607C>T (p.Arg203Cys) and NM_001048174.2:c.565C>T (p.Arg189Cys) in the literature. Computational prediction suggests that this variant may have deleterious impact on protein structure and function. To our knowledge, functional studies have not been reported for this variant. This variant has been reported in an individual affected with colorectal cancer and in an individual affected with polyposis (PMID: 17949294, 28135145). In a large international case-control study, this variant was reported in 3/60466 breast cancer cases and 4/53461 controls (OR=0.663, 95%CI 0.148 to 2.963, p-value=0.713PMID: 33471991). This variant has been identified in 12/251394 chromosomes in the general population by the Genome Aggregation Database (gnomAD). The available evidence is insufficient to determine the role of this variant in disease conclusively. Therefore, this variant is classified as a Variant of Uncertain Significance.

GeneDx
Classification: Uncertain significance. Last evaluated: 2025-06-10. Review status: criteria provided, single submitter. Criteria: GeneDx Variant Classification Process June 2021. Collection method: clinical testing. Allele origin: germline.
Comment: In silico analysis supports that this missense variant has a deleterious effect on protein structure/function; Observed in at least one individual with a personal history of colon cancer who underwent multi-gene panel testing (PMID: 28135145); This variant is associated with the following publications: (PMID: 17949294, 33471991, 36243179, 28135145, 27978560)

Molecular Pathology, Peter Maccallum Cancer Centre
Classification: Uncertain significance for Familial adenomatous polyposis 2. Last evaluated: 2025-05-05. Review status: criteria provided, single submitter. Criteria: ACMG Guidelines, 2015. Collection method: clinical testing. Allele origin: germline. Inheritance: Autosomal recessive inheritance.

Baylor Genetics
Classification: Uncertain significance for Familial adenomatous polyposis 2. Last evaluated: 2024-02-01. Review status: criteria provided, single submitter. Criteria: ACMG Guidelines, 2015. Collection method: clinical testing. Allele origin: unknown.

Quest Diagnostics Nichols Institute San Juan Capistrano
Classification: Uncertain significance. Last evaluated: 2024-01-24. Review status: criteria provided, single submitter. Criteria: Quest Diagnostics criteria. Collection method: clinical testing. Allele origin: unknown.
Comment: The MUTYH c.649C>T (p.Arg217Cys) variant has been reported in the published literature in an individual affected with colorectal cancer (PMID: 28135145 (2017)) and in another individual with a history of both colorectal cancer and thyroid cancer who also carried a variant in the CHEK2 gene (PMID: 27978560 (2016)). The frequency of this variant in the general population, 0.00029 (9/30616 chromosomes (Genome Aggregation Database)), is uninformative in the assessment of its pathogenicity. Analysis of this variant using bioinformatics tools for the prediction of the effect of amino acid changes on protein structure and function yielded predictions that this variant is damaging. Based on the available information, we are unable to determine the clinical significance of this variant.

All of Us Research Program, National Institutes of Health
Classification: Uncertain significance for Familial adenomatous polyposis 2. Last evaluated: 2023-12-01. Review status: criteria provided, single submitter. Criteria: ACMG Guidelines, 2015. Collection method: clinical testing. Allele origin: germline. Inheritance: Autosomal recessive inheritance. Observed: 5 variant alleles, 5 heterozygotes.
Comment: This missense variant replaces arginine with cysteine at codon 217 of the MUTYH protein. This variant is also known as NM_001048171.1:c.607C>T (p.Arg203Cys) and NM_001048174.2:c.565C>T (p.Arg189Cys) in the literature. Computational prediction suggests that this variant may have deleterious impact on protein structure and function (internally defined REVEL score threshold >= 0.7, PMID: 27666373). To our knowledge, functional studies have not been reported for this variant. This variant has been reported in an individual affected with colorectal cancer and in an individual affected with polyposis (PMID: 17949294, 28135145). In a large international case-control study, this variant was reported in 3/60466 breast cancer cases and 4/53461 controls (OR=0.663, 95%CI 0.148 to 2.963, p-value=0.713; PMID: 33471991). This variant has been identified in 12/251394 chromosomes in the general population by the Genome Aggregation Database (gnomAD). The available evidence is insufficient to determine the role of this variant in disease conclusively. Therefore, this variant is classified as a Variant of Uncertain Significance.

This study involves interpretation of variants in research participants for the purpose of population health screening. Participant phenotype was not available at the time of variant classification. Additional details can be found in publication PMID: 35346344, PMCID: PMC8962531

Fulgent Genetics
Classification: Uncertain significance for Familial adenomatous polyposis 2; Gastric cancer. Last evaluated: 2021-11-10. Review status: criteria provided, single submitter. Criteria: ACMG Guidelines, 2015. Collection method: clinical testing. Allele origin: unknown.

Mendelics
Classification: Uncertain significance for MYH-associated polyposis. Last evaluated: 2018-07-02. Review status: criteria provided, single submitter. Criteria: Mendelics Assertion Criteria 2017. Collection method: clinical testing. Allele origin: unknown.

Women's Health and Genetics/Laboratory Corporation of America, LabCorp
Classification: Uncertain significance. Last evaluated: 2018-04-30. Review status: criteria provided, single submitter. Criteria: LabCorp Variant Classification Summary - May 2015. Collection method: clinical testing. Allele origin: germline.
Comment: Variant summary: MUTYH c.649C>T (p.Arg217Cys) results in a non-conservative amino acid change located in the HhH-GPD_domain of the encoded protein sequence. Four of five in-silico tools predict a damaging effect of the variant on protein function. This frequency is lower than expected for a pathogenic variant in MUTYH causing MUTYH-associated Polyposis (4.9e-05 vs 0.0046), allowing no conclusion about variant significance. The c.649C>T has been reported in the literature in individuals affected with multiple colorectal adenomas. These reports do not provide unequivocal conclusions about association of the variant with MUTYH-associated Polyposis. To our knowledge, no experimental evidence demonstrating an impact on protein function has been reported. Five clinical diagnostic laboratories have submitted clinical-significance assessments for this variant to ClinVar after 2014 without evidence for independent evaluation. All laboratories classified the variant as uncertain significance. Based on the evidence outlined above, the variant was classified as uncertain significance.

Counsyl
Classification: Uncertain significance for Familial adenomatous polyposis 2. Last evaluated: 2016-01-18. Review status: no assertion criteria provided. Collection method: clinical testing. Allele origin: unknown. Not counted in ClinVar's aggregate classification.

Clinical Genetics, Academic Medical Center
Classification: Uncertain significance. Review status: no assertion criteria provided. Collection method: clinical testing. Allele origin: germline. Affected: yes. Study: VKGL Data-share Consensus. Not counted in ClinVar's aggregate classification.

Joint Genome Diagnostic Labs from Nijmegen and Maastricht, Radboudumc and MUMC+
Classification: Uncertain significance. Review status: no assertion criteria provided. Collection method: clinical testing. Allele origin: germline. Affected: yes. Study: VKGL Data-share Consensus. Not counted in ClinVar's aggregate classification.

Literature cited by the submitters: PubMed 17949294 (cited by 5 submitters); PubMed 28135145 (cited by 6 submitters); PubMed 33471991 (cited by 3 submitters); PubMed 36243179 (cited by Quest Diagnostics Nichols Institute San Juan Capistrano); PubMed 27978560 (cited by Quest Diagnostics Nichols Institute San Juan Capistrano).

NM_001048174.2(MUTYH):c.565C>T (p.Arg189Cys)

Gene: MUTYH (mutY DNA glycosylase; minus strand). Cytogenetic location: 1p34.1.
Variant type: single nucleotide variant.
Coding change: c.565C>T on transcript NM_001048174.2 (MANE Select); coding-DNA position 565, C replaced by T.
Protein change: p.Arg189Cys; replaces arginine 189 with cysteine.
Molecular consequence: missense variant. On other transcripts: non-coding transcript variant (2).
Genome position (GRCh38, 1-based): chr1:45,332,615, G>A on the plus strand (C>T on the coding strand, the complement: MUTYH is on the minus strand). VCF-style: chr1-45332615-G-A. GRCh37 (hg19) VCF-style: chr1-45798287-G-A.
Other names: c.565C>T, p.Arg189Cys (NM_001048171.2, NM_001048173.2, NM_001293195.2); c.568C>T, p.Arg190Cys (NM_001048172.2); c.649C>T, p.Arg217Cys (NM_001128425.2); c.610C>T, p.Arg204Cys (NM_001293190.2); c.598C>T, p.Arg200Cys (NM_001293191.2); c.289C>T, p.Arg97Cys (NM_001293192.2, NM_001293196.2); c.220C>T, p.Arg74Cys (NM_001350650.2, NM_001350651.2); c.640C>T, p.Arg214Cys (NM_012222.3); short protein forms R217C, R203C, R190C, R97C, R189C, R200C, R214C, R204C.
Identifiers: ClinVar variation 184447 (VCV000184447.39), dbSNP rs537292657, ClinGen allele CA014031.